The following is an entry in ClinVar:

NM_033380.3(COL4A5):c.424_427del (p.Leu142fs)

Gene: COL4A5 (collagen type IV alpha 5 chain; plus strand). Cytogenetic location: Xq22.3.
Variant type: Deletion.
Coding change: c.424_427del on transcript NM_033380.3 (MANE Select); coding-DNA positions 424 to 427, 4 bases deleted (TTAC; older notation c.424_427delTTAC).
Protein change: p.Leu142fs; shifts the reading frame from leucine 142.
Molecular consequence: frameshift variant.
Genome position (GRCh38, 1-based): chrX:108,571,452-108,571,455, TTAC deleted. VCF-style (leftmost placement, unchanged base first): chrX-108571451-TTTAC-T. GRCh37 (hg19) VCF-style: chrX-107814681-TTTAC-T.
Other names: c.424_427del, p.Leu142fs (NM_000495.5); short protein forms L142fs.
Identifiers: ClinVar variation 4998901 (VCV004998901.1).

ClinVar aggregate classification (germline): Likely pathogenic (1 of 4 stars; one submission).

Conditions:
COL4A5-related disorder. Also called: COL4A5-related condition.

Submission:

PreventionGenetics, part of Exact Sciences
Classification: Likely pathogenic for COL4A5-related condition. Last evaluated: 2024-12-12. Review status: criteria provided, single submitter. Criteria: ACMG Guidelines, 2015. Collection method: clinical testing. Allele origin: germline.
Comment: The COL4A5 c.424_427delTTAC variant is predicted to result in a frameshift and premature protein termination (p.Leu142Argfs*12). To our knowledge, this variant has not been reported in the literature or in a large population database (gnomAD), indicating this variant is rare. Frameshift variants in COL4A5 are expected to be pathogenic. This variant is interpreted as likely pathogenic.